The following is an entry in ClinVar:

ClinVar aggregate classification (germline): Uncertain significance. Review status: criteria provided, multiple submitters, no conflicts (2 of 4 stars). 3 submissions from 3 submitters: Uncertain significance (3). Last evaluated 2026-08-03.

Conditions:
Adams-Oliver syndrome 5 (AOS5). Identifiers: Orphanet 974, MedGen C4014970, MONDO:0014459, OMIM 616028.
Familial thoracic aortic aneurysm and aortic dissection (TAAD). Also called: Thoracic aortic aneurysms and dissections. Identifiers: Orphanet 91387, MedGen C4707243, MONDO:0019625.

Allele frequency attached by ClinVar (database versions not stated): gnomAD exomes below 0.00001.
gnomAD v4.1: 1 of 1,593,058 alleles (0.000063%); highest among the groups gnomAD compares: South Asian, 0.0011%; no homozygotes.

Submissions (3):

Ambry Genetics
Classification: Uncertain significance for Familial thoracic aortic aneurysm and aortic dissection. Last evaluated: 2026-08-03. Review status: criteria provided, single submitter. Criteria: Ambry Variant Classification Scheme 2023. Collection method: clinical testing. Allele origin: germline.

GeneDx
Classification: Uncertain significance. Last evaluated: 2024-09-18. Review status: criteria provided, single submitter. Criteria: GeneDx Variant Classification Process June 2021. Collection method: clinical testing. Allele origin: germline. Affected: yes.
Comment: Not observed at significant frequency in large population cohorts (gnomAD); In silico analysis supports that this missense variant has a deleterious effect on protein structure/function; Has not been previously published as pathogenic or benign to our knowledge

Labcorp Genetics (formerly Invitae), Labcorp
Classification: Uncertain significance for Adams-Oliver syndrome 5. Last evaluated: 2019-02-18. Review status: criteria provided, single submitter. Criteria: Invitae Variant Classification Sherloc (09022015). Collection method: clinical testing. Allele origin: germline.
Comment: In summary, the available evidence is currently insufficient to determine the role of this variant in disease. Therefore, it has been classified as a Variant of Uncertain Significance. Algorithms developed to predict the effect of missense changes on protein structure and function are either unavailable or do not agree on the potential impact of this missense change (SIFT: "Deleterious"; PolyPhen-2: "Benign"; Align-GVGD: "Class C15"). This variant has not been reported in the literature in individuals with NOTCH1-related conditions. This variant is not present in population databases (ExAC no frequency). This sequence change replaces leucine with proline at codon 1355 of the NOTCH1 protein (p.Leu1355Pro). The leucine residue is highly conserved and there is a moderate physicochemical difference between leucine and proline.

NM_017617.5(NOTCH1):c.4064T>C (p.Leu1355Pro)

Gene: NOTCH1 (notch receptor 1; minus strand). Cytogenetic location: 9q34.3.
Variant type: single nucleotide variant.
Coding change: c.4064T>C on transcript NM_017617.5 (MANE Select); coding-DNA position 4064, T replaced by C.
Protein change: p.Leu1355Pro; replaces leucine 1355 with proline.
Molecular consequence: missense variant.
Genome position (GRCh38, 1-based): chr9:136,505,832, A>G on the plus strand (T>C on the coding strand, the complement: NOTCH1 is on the minus strand). VCF-style: chr9-136505832-A-G. GRCh37 (hg19) VCF-style: chr9-139400284-A-G.
Other names: c.4064T>C, p.Leu1355Pro (LRG_1122t1); short protein forms L1355P.
Identifiers: ClinVar variation 640404 (VCV000640404.12), dbSNP rs1589059022, ClinGen allele CA375649987.
Genomic context (GRCh38, chr9:136,505,832, plus strand): 5'-AGGCACAGGCAGGTGGGGCTGCGCGGGCCGGAGATGCATGTGCCGCCGTTGAGGCAGCGC[A>G]GGCTGCCGCAGGTACGAGCGTCATTCTCACACGTGGCGCCCTCGAAGCCCTGCCCGAGAG-3'
Protein context (NP_060087.3, residues 1345-1365): CENDARTCGS[Leu1355Pro]RCLNGGTCIS